The following is an entry in ClinVar:

NM_001036.6(RYR3):c.7061C>T (p.Ala2354Val)

Gene: RYR3 (ryanodine receptor 3; plus strand). Cytogenetic location: 15q14.
Variant type: single nucleotide variant.
Coding change: c.7061C>T on transcript NM_001036.6 (MANE Select); coding-DNA position 7061, C replaced by T.
Protein change: p.Ala2354Val; replaces alanine 2354 with valine.
Molecular consequence: missense variant.
Genome position (GRCh38, 1-based): chr15:33,728,884, C>T. VCF-style: chr15-33728884-C-T. GRCh37 (hg19) VCF-style: chr15-34021085-C-T.
Other names: c.7061C>T, p.Ala2354Val (NM_001243996.4); short protein forms A2354V.
Identifiers: ClinVar variation 1062764 (VCV001062764.6), dbSNP rs770979189, ClinGen allele CA7459785.
Genomic context (GRCh38, chr15:33,728,884, plus strand): 5'-AAAGGGAAATTACATTTTCTATGTGTCTTTCAGATGGGTCGGTCAGTGAGCCAGATATGG[C>T]GGCCAATTTCTGCCCTGACCACAAGGCACCTATGGTGCTGTTCTTGGACCGCGTTTATGG-3'
Protein context (NP_001027.3, residues 2344-2364): KDGSVSEPDM[Ala2354Val]ANFCPDHKAP

ClinVar aggregate classification (germline): Uncertain significance (1 of 4 stars; one submission).

Conditions:
Epileptic encephalopathy. Identifiers: MedGen C0543888, HP:0200134.

Allele frequency attached by ClinVar (database versions not stated): gnomAD 0.00002; gnomAD exomes 0.00002 and 0.00005; ExAC 0.00006; TOPMed 0.00006.
gnomAD v4.1: 27 of 1,612,354 alleles (0.0017%); highest among the groups gnomAD compares: Admixed American, 0.017%; no homozygotes.

Submission:

Labcorp Genetics (formerly Invitae), Labcorp
Classification: Uncertain significance for Epileptic encephalopathy. Last evaluated: 2021-08-27. Review status: criteria provided, single submitter. Criteria: Invitae Variant Classification Sherloc (09022015). Collection method: clinical testing. Allele origin: germline.
Comment: This sequence change replaces alanine with valine at codon 2354 of the RYR3 protein (p.Ala2354Val). The alanine residue is moderately conserved and there is a small physicochemical difference between alanine and valine. This variant is present in population databases (rs770979189, ExAC 0.05%). This variant has not been reported in the literature in individuals affected with RYR3-related conditions. Algorithms developed to predict the effect of missense changes on protein structure and function (SIFT, PolyPhen-2, Align-GVGD) all suggest that this variant is likely to be tolerated. In summary, the available evidence is currently insufficient to determine the role of this variant in disease. Therefore, it has been classified as a Variant of Uncertain Significance.